The following is an entry in ClinVar:

ClinVar aggregate classification (germline): Uncertain significance (1 of 4 stars; one submission).

gnomAD v4.1: 21 of 1,614,170 alleles (0.0013%); highest among the groups gnomAD compares: South Asian, 0.022%; no homozygotes.

Submission:

Ambry Genetics
Classification: Uncertain significance. Last evaluated: 2025-02-09. Review status: criteria provided, single submitter. Criteria: Ambry Variant Classification Scheme 2023. Collection method: clinical testing. Allele origin: germline.
Comment: The p.C484F variant (also known as c.1451G>T), located in coding exon 1 of the TET2 gene, results from a G to T substitution at nucleotide position 1451. The cysteine at codon 484 is replaced by phenylalanine, an amino acid with highly dissimilar properties. This amino acid position is conserved. In addition, this alteration is predicted to be tolerated by in silico analysis. Based on the available evidence, the clinical significance of this variant remains unclear.

NM_001127208.3(TET2):c.1451G>T (p.Cys484Phe)

Genes: TET2 (tet methylcytosine dioxygenase 2; plus strand), TET2-AS1 (TET2 antisense RNA 1; minus strand). Cytogenetic location: 4q24.
Variant type: single nucleotide variant.
Coding change: c.1451G>T on transcript NM_001127208.3 (MANE Select); coding-DNA position 1451, G replaced by T.
Protein change: p.Cys484Phe; replaces cysteine 484 with phenylalanine.
Molecular consequence: missense variant.
Genome position (GRCh38, 1-based): chr4:105,235,393, G>T. VCF-style: chr4-105235393-G-T. GRCh37 (hg19) VCF-style: chr4-106156550-G-T.
Other names: c.1451G>T, p.Cys484Phe (NM_017628.4); short protein forms C484F.
Identifiers: ClinVar variation 3806045 (VCV003806045.1).